The following is an entry in ClinVar:

ClinVar aggregate classification (germline): Benign (0 of 4 stars; one submission).

Conditions:
ARFGEF3-related disorder. Also called: ARFGEF3-related condition.

Allele frequency attached by ClinVar (database versions not stated): gnomAD exomes 0.01559; ExAC 0.01709; gnomAD 0.02718; 1000 Genomes Project 0.02776; ESP Exome Variant Server 0.02887; TOPMed 0.02924; 1000 Genomes Project 30x 0.02936.
gnomAD v4.1: 25,985 of 1,540,840 alleles (1.7%); highest among the groups gnomAD compares: African/African-American, 5.2%; 310 homozygotes.

Submission:

PreventionGenetics, part of Exact Sciences
Classification: Benign for ARFGEF3-related condition. Last evaluated: 2020-01-02. Review status: no assertion criteria provided. Collection method: clinical testing. Allele origin: germline.
Comment: This variant is classified as benign based on ACMG/AMP sequence variant interpretation guidelines (Richards et al. 2015 PMID: 25741868, with internal and published modifications).

NM_020340.5(ARFGEF3):c.137+4G>A

Gene: ARFGEF3 (ARFGEF family member 3; plus strand). Cytogenetic location: 6q23.3.
Variant type: single nucleotide variant.
Coding change: c.137+4G>A on transcript NM_020340.5 (MANE Select); 4 bases into the intron after coding-DNA position 137, G replaced by A.
Molecular consequence: intron variant.
Genome position (GRCh38, 1-based): chr6:138,170,717, G>A. VCF-style: chr6-138170717-G-A. GRCh37 (hg19) VCF-style: chr6-138491854-G-A.
Identifiers: ClinVar variation 3041335 (VCV003041335.2), dbSNP rs74590195, ClinGen allele CA4020098.
Genomic context (GRCh38, chr6:138,170,717, plus strand): 5'-TGCAGAAACTCTAGGTGGTCTGGATACCATTGTCAAGATCCCTCCACATGTACTGAGGTA[G>A]GAGATGGACATTGTATAATATCACAGAAGTCAATATTACCCACTGAAGGCCCAGATAACC-3'